The following is an entry in ClinVar:

NM_001017420.3(ESCO2):c.876_879del (p.Asp292fs)

Gene: ESCO2 (establishment of sister chromatid cohesion N-acetyltransferase 2; plus strand). Cytogenetic location: 8p21.1.
Variant type: Deletion.
Coding change: c.876_879del on transcript NM_001017420.3 (MANE Select); coding-DNA positions 876 to 879, 4 bases deleted (CAGA; older notation c.876_879delCAGA).
Protein change: p.Asp292fs; shifts the reading frame from aspartic acid 292.
Molecular consequence: frameshift variant.
Genome position (GRCh38, 1-based): chr8:27,780,188-27,780,191, CAGA deleted; deleting any 4 consecutive bases within chr8:27,780,186-27,780,191 gives the same sequence; the c. name uses the placement nearest the transcript's 3' end. VCF-style (leftmost placement, unchanged base first): chr8-27780185-TGACA-T. GRCh37 (hg19) VCF-style: chr8-27637702-TGACA-T.
Other names: c.876_879delCAGA (NM_001017420.2); short protein forms D292fs.
Identifiers: ClinVar variation 21250 (VCV000021250.11), dbSNP rs80359856, ClinGen allele CA341795.
Genomic context (GRCh38, chr8:27,780,185, plus strand): 5'-ATAGTTAAAAATTACAGATGTTTGGTTTTTTTTTTAAACCTATTTTCAGGATTCATCAGA[TGACA>T]GAGTTTCTTCAAAGGAACATAAAGTTGATAAAAATGAGGCTTTTTCTTCAGAGGATTCTC-3'

ClinVar aggregate classification (germline): Pathogenic. Review status: criteria provided, multiple submitters, no conflicts (2 of 4 stars). 4 submissions from 4 submitters: Pathogenic (3). 1 of the submissions does not count toward it. Last evaluated 2025-12-15.

Conditions:
Roberts-SC phocomelia syndrome (RBS). Also called: Hypomelia hypotrichosis facial hemangioma syndrome; LONG BONE DEFICIENCIES ASSOCIATED WITH CLEFT LIP-PALATE; Pseudothalidomide syndrome; Appelt-Gerken-Lenz syndrome; ESCO2 Spectrum Disorder. Identifiers: Orphanet 3103, MedGen C0392475, MONDO:0100253, OMIM 268300.
Juberg-Hayward syndrome (JHS). Also called: OROCRANIODIGITAL SYNDROME; Cleft lip/palate with abnormal thumbs and microcephaly. Identifiers: Orphanet 2319, MedGen C0796099, MONDO:0008992, OMIM 216100.

Submissions (4):

Natera, Inc.
Classification: Pathogenic for Roberts syndrome. Last evaluated: 2025-12-15. Review status: criteria provided, single submitter. Criteria: Natera Variant Classification Schema (03/2026). Collection method: clinical testing. Allele origin: germline.
Comment: The c.876_879delCAGA variant in ESCO2 is a frameshift variant predicted to shift the reading frame beginning at codon 292 and leads to a stop codon 48 codons downstream. This variant is expected to result in nonsense mediated decay, truncation, or a dysfunctional protein product. This variant is rare in the general population with a frequency below the threshold expected for the associated phenotype(s). This variant has been observed in one or more individuals affected with the associated recessive disease, as either homozygous or compound heterozygous with a second variant (PMID: 31976146). Given the available evidence, this variant is classified as Pathogenic.

Labcorp Genetics (formerly Invitae), Labcorp
Classification: Pathogenic. Last evaluated: 2025-02-24. Review status: criteria provided, single submitter. Criteria: Invitae Variant Classification Sherloc (09022015). Collection method: clinical testing. Allele origin: germline.
Comment: This sequence change creates a premature translational stop signal (p.Asp292Glufs*48) in the ESCO2 gene. It is expected to result in an absent or disrupted protein product. Loss-of-function variants in ESCO2 are known to be pathogenic (PMID: 15821733, 16380922). This variant is present in population databases (rs80359856, gnomAD 0.0009%). This premature translational stop signal has been observed in individual(s) with clinical features of Roberts syndrome (PMID: 18411254, 31976146). ClinVar contains an entry for this variant (Variation ID: 21250). Algorithms developed to predict the effect of sequence changes on RNA splicing suggest that this variant may disrupt the consensus splice site. For these reasons, this variant has been classified as Pathogenic.

Fulgent Genetics
Classification: Pathogenic for Juberg-Hayward syndrome; Roberts-SC phocomelia syndrome. Last evaluated: 2024-03-08. Review status: criteria provided, single submitter. Criteria: ACMG Guidelines, 2015. Collection method: clinical testing. Allele origin: germline.

GeneReviews
No classification provided. Condition: Roberts-SC phocomelia syndrome. Review status: no classification provided. Collection method: literature only. Allele origin: unknown. Not counted in ClinVar's aggregate classification.

Literature cited by the submitters: PubMed 31976146 (cited by Natera, Inc. and Labcorp Genetics (formerly Invitae), Labcorp); PubMed 15821733 (cited by Labcorp Genetics (formerly Invitae), Labcorp); PubMed 16380922 (cited by Labcorp Genetics (formerly Invitae), Labcorp); PubMed 18411254 (cited by Labcorp Genetics (formerly Invitae), Labcorp and GeneReviews); PubMed 20301332 (cited by GeneReviews); NCBI Bookshelf NBK1153 (cited by GeneReviews).